The following is an entry in ClinVar:

NM_002230.4(JUP):c.634C>G (p.Leu212Val)

Gene: JUP (junction plakoglobin; minus strand). Cytogenetic location: 17q21.2.
Variant type: single nucleotide variant.
Coding change: c.634C>G on transcript NM_002230.4 (MANE Select); coding-DNA position 634, C replaced by G.
Protein change: p.Leu212Val; replaces leucine 212 with valine.
Molecular consequence: missense variant.
Genome position (GRCh38, 1-based): chr17:41,769,042, G>C on the plus strand (C>G on the coding strand, the complement: JUP is on the minus strand). VCF-style: chr17-41769042-G-C. GRCh37 (hg19) VCF-style: chr17-39925294-G-C.
Other names: c.634C>G, p.Leu212Val (NM_001352773.2, NM_001352774.2, NM_001352775.2 and 3 more transcripts); short protein forms L212V.
Identifiers: ClinVar variation 1752992 (VCV001752992.5), dbSNP rs782377671, ClinGen allele CA8565428.

ClinVar aggregate classification (germline): Uncertain significance. Review status: criteria provided, multiple submitters, no conflicts (2 of 4 stars). 2 submissions from 2 submitters: Uncertain significance (2). Last evaluated 2025-10-21.

Conditions:
Cardiovascular phenotype. Identifiers: MedGen CN230736.
Arrhythmogenic right ventricular dysplasia 12. Also called: ARRHYTHMOGENIC RIGHT VENTRICULAR DYSPLASIA, FAMILIAL, 12. Identifiers: MedGen C1969081, MONDO:0012684, OMIM 611528.
Naxos disease (NXD). Also called: PALMOPLANTAR KERATODERMA WITH ARRHYTHMOGENIC RIGHT VENTRICULAR CARDIOMYOPATHY AND WOOLLY HAIR; KERATOSIS PALMOPLANTARIS WITH ARRHYTHMOGENIC CARDIOMYOPATHY; MAL DE NAXOS; WOOLLY HAIR, PALMOPLANTAR KERATODERMA, AND CARDIAC ABNORMALITIES; CARDIOMYOPATHY, ARRHYTHMOGENIC RIGHT VENTRICULAR, WITH SKIN, HAIR, AND NAIL ABNORMALITIES. Identifiers: Orphanet 34217, MedGen C1832600, MONDO:0011017, OMIM 601214.

Allele frequency attached by ClinVar (database versions not stated): ExAC 0.00001.
gnomAD v4.1: 13 of 1,613,040 alleles (0.00081%); highest among the groups gnomAD compares: South Asian, 0.0077%; no homozygotes.

Submissions (2):

Labcorp Genetics (formerly Invitae), Labcorp
Classification: Uncertain significance for Arrhythmogenic right ventricular dysplasia 12; Naxos disease. Last evaluated: 2025-10-21. Review status: criteria provided, single submitter. Criteria: Invitae Variant Classification Sherloc (09022015). Collection method: clinical testing. Allele origin: germline.
Comment: This sequence change replaces leucine, which is neutral and non-polar, with valine, which is neutral and non-polar, at codon 212 of the JUP protein (p.Leu212Val). This variant is present in population databases (rs782377671, gnomAD 0.007%). This variant has not been reported in the literature in individuals affected with JUP-related conditions. ClinVar contains an entry for this variant (Variation ID: 1752992). An algorithm developed to predict the effect of missense changes on protein structure and function (PolyPhen-2) suggests that this variant is likely to be disruptive. In summary, the available evidence is currently insufficient to determine the role of this variant in disease. Therefore, it has been classified as a Variant of Uncertain Significance.

Ambry Genetics
Classification: Uncertain significance for Cardiovascular phenotype. Last evaluated: 2022-05-24. Review status: criteria provided, single submitter. Criteria: Ambry Variant Classification Scheme 2023. Collection method: clinical testing. Allele origin: germline.
Comment: The p.L212V variant (also known as c.634C>G), located in coding exon 3 of the JUP gene, results from a C to G substitution at nucleotide position 634. The leucine at codon 212 is replaced by valine, an amino acid with highly similar properties. This amino acid position is conserved. In addition, this alteration is predicted to be deleterious by in silico analysis. Since supporting evidence is limited at this time, the clinical significance of this alteration remains unclear.